The following is an entry in ClinVar:

ClinVar aggregate classification (germline): Uncertain significance. Review status: criteria provided, multiple submitters, no conflicts (2 of 4 stars). 2 submissions from 2 submitters: Uncertain significance (2). Last evaluated 2026-01-13.

Conditions:
Inborn genetic diseases. Identifiers: MedGen C0950123, MeSH D030342.

gnomAD v4.1: 9 of 1,614,112 alleles (0.00056%); highest among the groups gnomAD compares: Middle Eastern, 0.016%; no homozygotes.

Submissions (2):

Women's Health and Genetics/Laboratory Corporation of America, LabCorp
Classification: Uncertain significance. Last evaluated: 2026-01-13. Review status: criteria provided, single submitter. Criteria: LabCorp Variant Classification Summary - May 2015. Collection method: clinical testing. Allele origin: germline.
Comment: Variant summary: TG c.509G>C (p.Arg170Pro) results in a non-conservative amino acid change in the encoded protein sequence. Algorithms developed to predict the effect of missense changes on protein structure and function all suggest that this variant is likely to be disruptive. The variant allele was found at a frequency of 2e-05 in 251404 control chromosomes. The available data on variant occurrences in the general population are insufficient to allow any conclusion about variant significance. To our knowledge, no occurrence of c.509G>C in individuals affected with TG-related conditions and no experimental evidence demonstrating its impact on protein function have been reported. ClinVar contains an entry for this variant (Variation ID: 2369374). Based on the evidence outlined above, the variant was classified as uncertain significance.

Ambry Genetics
Classification: Uncertain significance for Inborn genetic diseases. Last evaluated: 2022-01-31. Review status: criteria provided, single submitter. Criteria: Ambry Variant Classification Scheme 2023. Collection method: clinical testing. Allele origin: germline.

NM_003235.5(TG):c.509G>C (p.Arg170Pro)

Gene: TG (thyroglobulin; plus strand). Cytogenetic location: 8q24.22.
Variant type: single nucleotide variant.
Coding change: c.509G>C on transcript NM_003235.5 (MANE Select); coding-DNA position 509, G replaced by C.
Protein change: p.Arg170Pro; replaces arginine 170 with proline.
Molecular consequence: missense variant.
Genome position (GRCh38, 1-based): chr8:132,873,092, G>C. VCF-style: chr8-132873092-G-C. GRCh37 (hg19) VCF-style: chr8-133885337-G-C.
Other names: short protein forms R170P.
Identifiers: ClinVar variation 2369374 (VCV002369374.3), dbSNP rs115793379, ClinGen allele CA4882938.
Genomic context (GRCh38, chr8:132,873,092, plus strand): 5'-TAAGGATTTTTTTTTCGTGAAAATGTTTAGGTCCAAGGAGCTGTGAAATAAGAAATCGTC[G>C]TCTTCTCCACGGGGTGGGAGATAAGTCACCACCCCAGTGTTCTGCGGAGGGAGAGTTTAT-3'
Protein context (NP_003226.4, residues 160-180): CPRSCEIRNR[Arg170Pro]LLHGVGDKSP